The following is an entry in ClinVar:

NM_000037.4(ANK1):c.5520C>T (p.Ala1840=)

Gene: ANK1 (ankyrin 1; minus strand). Cytogenetic location: 8p11.21.
Variant type: single nucleotide variant.
Coding change: c.5520C>T on transcript NM_000037.4 (MANE Select); coding-DNA position 5520, C replaced by T.
Protein change: p.Ala1840=; no amino-acid change (alanine 1840 retained).
Molecular consequence: synonymous variant. On other transcripts: intron variant (1).
Genome position (GRCh38, 1-based): chr8:41,661,900, G>A on the plus strand (C>T on the coding strand, the complement: ANK1 is on the minus strand). VCF-style: chr8-41661900-G-A. GRCh37 (hg19) VCF-style: chr8-41519418-G-A.
Other names: c.345C>T, p.Ala115= (NM_001142445.2, NM_020478.5); c.5643C>T, p.Ala1881= (NM_001142446.2); c.5520C>T, p.Ala1840= (NM_020475.3, NM_020476.3); c.5034C>T, p.Ala1678= (NM_020477.3); c.303+1759C>T (NM_020480.5).
Identifiers: ClinVar variation 911830 (VCV000911830.7), dbSNP rs116148295, ClinGen allele CA4727142.

ClinVar aggregate classification (germline): Conflicting classifications of pathogenicity. Review status: criteria provided, conflicting classifications (1 of 4 stars). 3 submissions from 2 submitters: Uncertain significance (1); Likely benign (2). Last evaluated 2025-01-02.

Conditions:
Hereditary spherocytosis type 1. Also called: Spherocytosis type 1; ANK1-Related Spherocytosis. Identifiers: Orphanet 822, MedGen C2674218, MONDO:0008447, OMIM 182900.
Spherocytosis. Identifiers: MedGen C0553720, HP:0004444.

Allele frequency attached by ClinVar (database versions not stated): gnomAD 0.00002 and 0.00005; gnomAD exomes 0.00009 and 0.00018; TOPMed 0.00009; ExAC 0.00016; 1000 Genomes Project 30x 0.00047; 1000 Genomes Project 0.00060.
gnomAD v4.1: 134 of 1,614,072 alleles (0.0083%); highest among the groups gnomAD compares: East Asian, 0.23%; no homozygotes.

Submissions (3):

Labcorp Genetics (formerly Invitae), Labcorp
Classification: Likely benign. Last evaluated: 2025-01-02. Review status: criteria provided, single submitter. Criteria: Invitae Variant Classification Sherloc (09022015). Collection method: clinical testing. Allele origin: germline.

Illumina Laboratory Services, Illumina
Classification: Uncertain significance for Spherocytosis. Last evaluated: 2018-01-13. Review status: criteria provided, single submitter. Criteria: ICSL Variant Classification Criteria 13 December 2019. Collection method: clinical testing. Allele origin: germline.

Illumina Laboratory Services, Illumina
Classification: Likely benign for Hereditary spherocytosis type 1. Last evaluated: 2018-01-13. Review status: criteria provided, single submitter. Criteria: ICSL Variant Classification Criteria 13 December 2019. Collection method: clinical testing. Allele origin: germline.
Comment: This variant was observed in the ICSL laboratory as part of a predisposition screen in an ostensibly healthy population. It had not been previously curated by ICSL or reported in the Human Gene Mutation Database (HGMD: prior to June 1st, 2018), and was therefore a candidate for classification through an automated scoring system. Utilizing variant allele frequency, disease prevalence and penetrance estimates, and inheritance mode, an automated score was calculated to assess if this variant is too frequent to cause the disease. Based on the score and internal cut-off values, a variant classified as likely benign is not then subjected to further curation. The score for this variant resulted in a classification of likely benign for this disease.